The following is an entry in ClinVar:

NM_000360.4(TH):c.1229G>A (p.Arg410Gln)

Gene: TH (tyrosine hydroxylase; minus strand). Cytogenetic location: 11p15.5.
Variant type: single nucleotide variant.
Coding change: c.1229G>A on transcript NM_000360.4 (MANE Select); coding-DNA position 1229, G replaced by A.
Protein change: p.Arg410Gln; replaces arginine 410 with glutamine.
Molecular consequence: missense variant.
Genome position (GRCh38, 1-based): chr11:2,165,337, C>T on the plus strand (G>A on the coding strand, the complement: TH is on the minus strand). VCF-style: chr11-2165337-C-T. GRCh37 (hg19) VCF-style: chr11-2186567-C-T.
Other names: c.1322G>A, p.Arg441Gln (NM_199292.3); c.1310G>A, p.Arg437Gln (NM_199293.3); short protein forms R441Q, R410Q, R437Q.
Identifiers: ClinVar variation 526212 (VCV000526212.9), dbSNP rs367874223, ClinGen allele CA5818324.

ClinVar aggregate classification (germline): Uncertain significance. Review status: criteria provided, multiple submitters, no conflicts (2 of 4 stars). 3 submissions from 3 submitters: Uncertain significance (2). 1 of the submissions does not count toward it. Last evaluated 2021-09-01.

Conditions:
TH-deficient dopa-responsive dystonia. Also called: DYT-TH; Tyrosine Hydroxylase-Deficient Dopa-Responsive Dystonia; Segawa syndrome, autosomal recessive. Identifiers: Orphanet 101150, MedGen C2673535, MONDO:0011551, OMIM 605407.

Allele frequency attached by ClinVar (database versions not stated): gnomAD exomes 0.00002; TOPMed 0.00002.
gnomAD v4.1: 23 of 1,611,874 alleles (0.0014%); highest among the groups gnomAD compares: Middle Eastern, 0.016%; no homozygotes.

Submissions (3):

Labcorp Genetics (formerly Invitae), Labcorp
Classification: Uncertain significance for TH-deficient dopa-responsive dystonia. Last evaluated: 2021-09-01. Review status: criteria provided, single submitter. Criteria: Invitae Variant Classification Sherloc (09022015). Collection method: clinical testing. Allele origin: germline.

GeneDx
Classification: Uncertain significance. Last evaluated: 2019-07-16. Review status: criteria provided, single submitter. Criteria: GeneDx Variant Classification Process June 2021. Collection method: clinical testing. Allele origin: germline. Affected: yes.
Comment: In silico analysis, which includes protein predictors and evolutionary conservation, supports a deleterious effect; Has not been previously published as pathogenic or benign to our knowledge

Natera, Inc.
Classification: Uncertain significance for Autosomal recessive Segawa syndrome. Last evaluated: 2019-11-11. Review status: no assertion criteria provided. Collection method: clinical testing. Allele origin: germline. Not counted in ClinVar's aggregate classification.